The following is an entry in ClinVar:

ClinVar aggregate classification (germline): Conflicting classifications of pathogenicity. Review status: criteria provided, conflicting classifications (1 of 4 stars). 6 submissions from 6 submitters: Uncertain significance (5); Likely benign (1). Last evaluated 2025-02-07.

Conditions:
Cardiovascular phenotype. Identifiers: MedGen CN230736.
Arrhythmogenic cardiomyopathy with wooly hair and keratoderma. Also called: Arrhythmogenic cardiomyopathy with woolly hair and keratoderma; Dilated cardiomyopathy with woolly hair and keratoderma; PALMOPLANTAR KERATODERMA WITH LEFT VENTRICULAR CARDIOMYOPATHY AND WOOLLY HAIR; Carvajal syndrome. Identifiers: Orphanet 65282, MedGen C1854063, MONDO:0011581, OMIM 605676.
Lethal acantholytic epidermolysis bullosa (EBLA). Identifiers: Orphanet 158687, MedGen C1864826, MONDO:0012323, OMIM 609638.
Keratosis palmoplantaris striata 2. Also called: KERATODERMA, PALMOPLANTAR, STRIATE FORM II; STRIATE PALMOPLANTAR KERATODERMA II; Keratosis palmoplantaris striata II. Identifiers: MedGen C1852127, MONDO:0013034, OMIM 612908.
Arrhythmogenic right ventricular dysplasia 8 (ARVD8). Also called: ARRHYTHMOGENIC RIGHT VENTRICULAR DYSPLASIA, FAMILIAL, 8; ARRHYTHMOGENIC RIGHT VENTRICULAR CARDIOMYOPATHY 8; Arrhythmogenic Right Ventricular Dysplasia/Cardiomyopathy 8. Identifiers: MedGen C1843896, MONDO:0011831, OMIM 607450.
Cardiomyopathy, dilated, with wooly hair, keratoderma, and tooth agenesis. Also called: Erythrokeratodermia-cardiomyopathy syndrome; Cardiomyopathy, dilated, with woolly hair, keratoderma, and tooth agenesis. Identifiers: Orphanet 476096, Orphanet 65282, MedGen C4014393, MONDO:0014355, OMIM 615821.
Woolly hair-skin fragility syndrome (WHSF). Identifiers: Orphanet 293165, MedGen C1843292, MONDO:0957307, OMIM 620415.
Cardiomyopathy (CMYO). Also called: Cardiomyopathies. Identifiers: Orphanet 167848, MedGen C0878544, MONDO:0004994, HP:0001638. Inheritance: Various modes of inheritance.

Allele frequency attached by ClinVar (database versions not stated): ExAC 0.00002; gnomAD exomes 0.00002 and 0.00003; TOPMed 0.00002; gnomAD 0.00003 and 0.00004.
gnomAD v4.1: 45 of 1,614,066 alleles (0.0028%); highest among the groups gnomAD compares: Non-Finnish European, 0.0035%; no homozygotes.

Submissions (6):

Labcorp Genetics (formerly Invitae), Labcorp
Classification: Likely benign for Arrhythmogenic cardiomyopathy with wooly hair and keratoderma; Arrhythmogenic right ventricular dysplasia 8. Last evaluated: 2025-02-07. Review status: criteria provided, single submitter. Criteria: Invitae Variant Classification Sherloc (09022015). Collection method: clinical testing. Allele origin: germline.

All of Us Research Program, National Institutes of Health
Classification: Uncertain significance for Arrhythmogenic cardiomyopathy with wooly hair and keratoderma. Last evaluated: 2023-12-18. Review status: criteria provided, single submitter. Criteria: ACMG Guidelines, 2015. Collection method: clinical testing. Allele origin: germline. Inheritance: Autosomal dominant inheritance. Observed: 7 variant alleles, 7 heterozygotes.
Comment: This missense variant replaces aspartic acid with asparagine at codon 1732 of the DSP protein. Computational prediction suggests that this variant may not impact protein structure and function (internally defined REVEL score threshold <= 0.5, PMID: 27666373). To our knowledge, functional studies have not been reported for this variant. This variant has not been reported in individuals affected with cardiovascular disorders in the literature. This variant has been identified in 5/282748 chromosomes in the general population by the Genome Aggregation Database (gnomAD). The available evidence is insufficient to determine the role of this variant in disease conclusively. Therefore, this variant is classified as a Variant of Uncertain Significance.

This study involves interpretation of variants in research participants for the purpose of population health screening. Participant phenotype was not available at the time of variant classification. Additional details can be found in publication PMID: 35346344, PMCID: PMC8962531

GeneDx
Classification: Uncertain significance. Last evaluated: 2023-12-08. Review status: criteria provided, single submitter. Criteria: GeneDx Variant Classification Process June 2021. Collection method: clinical testing. Allele origin: germline. Affected: yes.
Comment: Identified in a patient with DCM in published literature (PMID: 31983221); Not observed at significant frequency in large population cohorts (gnomAD); In silico analysis supports that this missense variant does not alter protein structure/function; This variant is associated with the following publications: (PMID: 31983221)

Color Diagnostics, LLC DBA Color Health
Classification: Uncertain significance for Cardiomyopathy. Last evaluated: 2023-11-28. Review status: criteria provided, single submitter. Criteria: ACMG Guidelines, 2015. Collection method: clinical testing. Allele origin: germline.
Comment: This missense variant replaces aspartic acid with asparagine at codon 1732 of the DSP protein. Computational prediction suggests that this variant may not impact protein structure and function (internally defined REVEL score threshold <= 0.5, PMID: 27666373). To our knowledge, functional studies have not been reported for this variant. This variant has been reported in an individual affected with dilated cardiomyopathy (PMID: 31983221). This variant has been identified in 5/282748 chromosomes in the general population by the Genome Aggregation Database (gnomAD). The available evidence is insufficient to determine the role of this variant in disease conclusively. Therefore, this variant is classified as a Variant of Uncertain Significance.

Ambry Genetics
Classification: Uncertain significance for Cardiovascular phenotype. Last evaluated: 2023-09-22. Review status: criteria provided, single submitter. Criteria: Ambry Variant Classification Scheme 2023. Collection method: clinical testing. Allele origin: germline.
Comment: The p.D1732N variant (also known as c.5194G>A), located in coding exon 23 of the DSP gene, results from a G to A substitution at nucleotide position 5194. The aspartic acid at codon 1732 is replaced by asparagine, an amino acid with highly similar properties. This variant has been detected in an individual from a dilated cardiomyopathy cohort; however, details were limited (Mazzarotto F et al. Circulation. 2020 Feb;141(5):387-398). This amino acid position is highly conserved in available vertebrate species. In addition, this alteration is predicted to be tolerated by in silico analysis. Since supporting evidence is limited at this time, the clinical significance of this alteration remains unclear.

Fulgent Genetics
Classification: Uncertain significance for Arrhythmogenic cardiomyopathy with wooly hair and keratoderma; Arrhythmogenic right ventricular dysplasia 8; Lethal acantholytic epidermolysis bullosa; Keratosis palmoplantaris striata 2; Cardiomyopathy, dilated, with wooly hair, keratoderma, and tooth agenesis. Last evaluated: 2021-09-16. Review status: criteria provided, single submitter. Criteria: ACMG Guidelines, 2015. Collection method: clinical testing. Allele origin: unknown.

Literature cited by the submitters: PubMed 31983221 (cited by Color Diagnostics, LLC DBA Color Health and Ambry Genetics).

NM_004415.4(DSP):c.5194G>A (p.Asp1732Asn)

Gene: DSP (desmoplakin; plus strand). Cytogenetic location: 6p24.3.
Variant type: single nucleotide variant.
Coding change: c.5194G>A on transcript NM_004415.4 (MANE Select); coding-DNA position 5194, G replaced by A.
Protein change: p.Asp1732Asn; replaces aspartic acid 1732 with asparagine.
Molecular consequence: missense variant. On other transcripts: intron variant (2).
Genome position (GRCh38, 1-based): chr6:7,581,384, G>A. VCF-style: chr6-7581384-G-A. GRCh37 (hg19) VCF-style: chr6-7581617-G-A.
Other names: c.4050+1144G>A (NM_001319034.2); c.3583-1258G>A (NM_001008844.3); short protein forms D1732N.
Identifiers: ClinVar variation 188468 (VCV000188468.20), dbSNP rs780224658, ClinGen allele CA004608.